The following is an entry in ClinVar:

NM_000093.5(COL5A1):c.1165-2_1169dup

Gene: COL5A1 (collagen type V alpha 1 chain; plus strand). Cytogenetic location: 9q34.3.
Variant type: Duplication.
Coding change: c.1165-2_1169dup on transcript NM_000093.5 (MANE Select); the canonical splice acceptor site of the intron before coding-DNA position 1165 through coding-DNA position 1169, 7 bases duplicated (AGCCAGC; older notation c.1165-2_1169dupAGCCAGC).
Molecular consequence: splice acceptor variant.
Genome position (GRCh38, 1-based): chr9:134,731,494-134,731,500, AGCCAGC duplicated; duplicating any 7 consecutive bases within chr9:134,731,492-134,731,500 gives the same sequence; the c. name uses the placement nearest the transcript's 3' end. VCF-style (leftmost placement, unchanged base first): chr9-134731491-T-TGCAGCCA. GRCh37 (hg19) VCF-style: chr9-137623337-T-TGCAGCCA.
Other names: c.1165-2_1169dup (NM_001278074.1).
Identifiers: ClinVar variation 1377608 (VCV001377608.6), dbSNP rs2132641901, ClinGen allele CA2573144121.

ClinVar aggregate classification (germline): Uncertain significance (1 of 4 stars; one submission).

Conditions:
Ehlers-Danlos syndrome, classic type, 1 (EDSCL1). Also called: EHLERS-DANLOS SYNDROME, GRAVIS TYPE; EHLERS-DANLOS SYNDROME, SEVERE CLASSIC TYPE; Ehlers-Danlos syndrome, type 1; EDS I; Ehlers-Danlos Syndrome, Classic Type, COL5A1-Related. Identifiers: MedGen C0268335, MONDO:0019567, OMIM 130000.

Submission:

Labcorp Genetics (formerly Invitae), Labcorp
Classification: Uncertain significance for Ehlers-Danlos syndrome, classic type, 1. Last evaluated: 2021-03-09. Review status: criteria provided, single submitter. Criteria: Invitae Variant Classification Sherloc (09022015). Collection method: clinical testing. Allele origin: germline.
Comment: This variant has not been reported in the literature in individuals with COL5A1-related conditions. In summary, the available evidence is currently insufficient to determine the role of this variant in disease. Therefore, it has been classified as a Variant of Uncertain Significance. Experimental studies and prediction algorithms are not available or were not evaluated, and the effect of this variant on mRNA splicing is currently unknown. This variant is not present in population databases (ExAC no frequency). This sequence change falls in intron 7 of the COL5A1 gene. It does not directly change the encoded amino acid sequence of the COL5A1 protein.